The following is an entry in ClinVar:

ClinVar aggregate classification (germline): Likely pathogenic (1 of 4 stars; one submission).

Conditions:
Telangiectasia, hereditary hemorrhagic, type 2 (HHT2). Also called: ACVRL1-Related Hereditary Hemorrhagic Telangiectasia; Telangiectasia, hereditary hemorrhagic, type II. Identifiers: Orphanet 774, MedGen C1838163, MONDO:0010880, OMIM 600376. Disease mechanism: loss of function.

Submission:

Department of Human Genetics, Hannover Medical School
Classification: Likely pathogenic for Telangiectasia, hereditary hemorrhagic, type 2. Last evaluated: 2026-08-03. Review status: criteria provided, single submitter. Criteria: ACMG Guidelines, 2015. Collection method: clinical testing. Allele origin: germline. Affected: yes.
Comment: ACMG/ClinGen ACVRL1 VCEP: PS4_Supporting, PM2_Supporting, PM4, PP4_Moderate (PMID: 15712270)

NM_000020.3(ACVRL1):c.1274_1276del (p.Phe425del)

Gene: ACVRL1 (activin A receptor like type 1; plus strand). Cytogenetic location: 12q13.13.
Variant type: Deletion.
Coding change: c.1274_1276del on transcript NM_000020.3 (MANE Select); coding-DNA positions 1274 to 1276, 3 bases deleted (TCT; older notation c.1274_1276delTCT).
Protein change: p.Phe425del; deletes phenylalanine 425.
Molecular consequence: inframe deletion.
Genome position (GRCh38, 1-based): chr12:51,919,012-51,919,014, TCT deleted; deleting any 3 consecutive bases within chr12:51,919,010-51,919,014 gives the same sequence; the c. name uses the placement nearest the transcript's 3' end. VCF-style (leftmost placement, unchanged base first): chr12-51919009-CCTT-C. GRCh37 (hg19) VCF-style: chr12-52312793-CCTT-C.
Other names: c.1274_1276del, p.Phe425del (NM_001077401.2, NM_001406487.1, NM_001406488.1 and 1 more transcripts); c.1118_1120del, p.Phe373del (NM_001406490.1); c.962_964del, p.Phe321del (NM_001406491.1, NM_001406492.1, NM_001406493.1); c.764_766del, p.Phe255del (NM_001406494.1); c.710_712del, p.Phe237del (NM_001406495.1); short protein forms F237del, F255del, F321del, F373del, F425del.
Identifiers: ClinVar variation 4879888 (VCV004879888.1).